The following is an entry in ClinVar:

NM_014850.4(SRGAP3):c.1698C>T (p.Asp566=)

Gene: SRGAP3 (SLIT-ROBO Rho GTPase activating protein 3; minus strand). Cytogenetic location: 3p25.3.
Variant type: single nucleotide variant.
Coding change: c.1698C>T on transcript NM_014850.4 (MANE Select); coding-DNA position 1698, C replaced by T.
Protein change: p.Asp566=; no amino-acid change (aspartic acid 566 retained).
Molecular consequence: synonymous variant.
Genome position (GRCh38, 1-based): chr3:9,015,712, G>A on the plus strand (C>T on the coding strand, the complement: SRGAP3 is on the minus strand). VCF-style: chr3-9015712-G-A. GRCh37 (hg19) VCF-style: chr3-9057396-G-A.
Other names: c.1626C>T, p.Asp542= (NM_001033117.3).
Identifiers: ClinVar variation 789466 (VCV000789466.5), dbSNP rs141284390, ClinGen allele CA2237702.

ClinVar aggregate classification (germline): Likely benign. Review status: criteria provided, single submitter (1 of 4 stars). 2 submissions from 2 submitters: Likely benign (1). 1 of the submissions does not count toward it. Last evaluated 2018-05-13.

Conditions:
SRGAP3-related disorder. Also called: SRGAP3-related condition.

Allele frequency attached by ClinVar (database versions not stated): 1000 Genomes Project 30x 0.00016; 1000 Genomes Project 0.00020; ExAC 0.00040; gnomAD exomes 0.00042 and 0.00095; gnomAD 0.00052 and 0.00056; TOPMed 0.00057; ESP Exome Variant Server 0.00077.
gnomAD v4.1: 1,489 of 1,614,076 alleles (0.092%); highest among the groups gnomAD compares: Non-Finnish European, 0.12%; 1 homozygote.

Submissions (2):

Labcorp Genetics (formerly Invitae), Labcorp
Classification: Likely benign. Last evaluated: 2018-05-13. Review status: criteria provided, single submitter. Criteria: Invitae Variant Classification Sherloc (09022015). Collection method: clinical testing. Allele origin: germline.

PreventionGenetics, part of Exact Sciences
Classification: Likely benign for SRGAP3-related condition. Last evaluated: 2019-03-04. Review status: no assertion criteria provided. Collection method: clinical testing. Allele origin: germline. Not counted in ClinVar's aggregate classification.
Comment: This variant is classified as likely benign based on ACMG/AMP sequence variant interpretation guidelines (Richards et al. 2015 PMID: 25741868, with internal and published modifications).